The following is an entry in ClinVar:

NM_000292.3(PHKA2):c.1569+3G>A

Gene: PHKA2 (phosphorylase kinase regulatory subunit alpha 2; minus strand). Cytogenetic location: Xp22.13.
Variant type: single nucleotide variant.
Coding change: c.1569+3G>A on transcript NM_000292.3 (MANE Select); 3 bases into the intron after coding-DNA position 1569, G replaced by A.
Molecular consequence: intron variant.
Genome position (GRCh38, 1-based): chrX:18,925,665, C>T on the plus strand (G>A on the coding strand, the complement: PHKA2 is on the minus strand). VCF-style: chrX-18925665-C-T. GRCh37 (hg19) VCF-style: chrX-18943783-C-T.
Identifiers: ClinVar variation 2223245 (VCV002223245.4), dbSNP rs369443458, ClinGen allele CA10361859.

ClinVar aggregate classification (germline): Conflicting classifications of pathogenicity. Review status: criteria provided, conflicting classifications (1 of 4 stars). 2 submissions from 2 submitters: Uncertain significance (1); Likely benign (1). Last evaluated 2022-11-18.

Conditions:
Glycogen storage disease IXa1. Also called: GLYCOGEN STORAGE DISEASE VIII; GSD VIII; Glycogen storage disease 8; LIVER GLYCOGENOSIS, X-LINKED, TYPE I. Identifiers: Orphanet 264580, MedGen C3694531, MONDO:0010598, OMIM 306000.
Inborn genetic diseases. Identifiers: MedGen C0950123, MeSH D030342.

Allele frequency attached by ClinVar (database versions not stated): ESP Exome Variant Server 0.00009; ExAC 0.00011; TOPMed 0.00021; gnomAD 0.00026; gnomAD exomes 0.00051.
gnomAD v4.1: 522 of 1,083,771 alleles (0.048%); highest among the groups gnomAD compares: Non-Finnish European, 0.064%; no homozygotes.

Submissions (2):

Labcorp Genetics (formerly Invitae), Labcorp
Classification: Uncertain significance for Glycogen storage disease IXa1. Last evaluated: 2022-11-18. Review status: criteria provided, single submitter. Criteria: Invitae Variant Classification Sherloc (09022015). Collection method: clinical testing. Allele origin: germline.
Comment: This variant has not been reported in the literature in individuals affected with PHKA2-related conditions. This sequence change falls in intron 15 of the PHKA2 gene. It does not directly change the encoded amino acid sequence of the PHKA2 protein. It affects a nucleotide within the consensus splice site. This variant is present in population databases (rs369443458, gnomAD 0.04%), and has an allele count higher than expected for a pathogenic variant. In summary, the available evidence is currently insufficient to determine the role of this variant in disease. Therefore, it has been classified as a Variant of Uncertain Significance. Variants that disrupt the consensus splice site are a relatively common cause of aberrant splicing (PMID: 17576681, 9536098). Algorithms developed to predict the effect of sequence changes on RNA splicing suggest that this variant may disrupt the consensus splice site.

Ambry Genetics
Classification: Likely benign for Inborn genetic diseases. Last evaluated: 2021-12-28. Review status: criteria provided, single submitter. Criteria: Ambry Variant Classification Scheme 2023. Collection method: clinical testing. Allele origin: germline.

Literature cited by the submitters: PubMed 17576681 (cited by Labcorp Genetics (formerly Invitae), Labcorp); PubMed 9536098 (cited by Labcorp Genetics (formerly Invitae), Labcorp).